The following is an entry in ClinVar:

Conditions:
Breast-ovarian cancer, familial, susceptibility to, 1 (BROVCA1). Also called: BRCA1 Hereditary Breast and Ovarian Cancer; OVARIAN CANCER, SUSCEPTIBILITY TO. Identifiers: Orphanet 145, MedGen C2676676, MONDO:0011450, OMIM 604370. Disease mechanism: loss of function.

Submission:

Brotman Baty Institute, University of Washington
No classification provided (evidence only). Condition: Breast-ovarian cancer, familial 1. Review status: no classification provided. Collection method: in vitro. Allele origin: not applicable. Functional consequence: functionally_normal.
ClinVar note: "not provided" was previously submitted as the classification for the variant. However, the classification appeared to be based only on an observation of functional data so it was converted to no classification on 2025-07-30.

NM_007294.4(BRCA1):c.5560C>G (p.Leu1854Val)

Gene: BRCA1 (BRCA1 DNA repair associated; minus strand). Cytogenetic location: 17q21.31.
Variant type: single nucleotide variant.
Coding change: c.5560C>G on transcript NM_007294.4 (MANE Select); coding-DNA position 5560, C replaced by G.
Protein change: p.Leu1854Val; replaces leucine 1854 with valine.
Molecular consequence: missense variant. On other transcripts: 3 prime UTR variant (1), non-coding transcript variant (1).
Genome position (GRCh38, 1-based): chr17:43,045,710, G>C on the plus strand (C>G on the coding strand, the complement: BRCA1 is on the minus strand). VCF-style: chr17-43045710-G-C. GRCh37 (hg19) VCF-style: chr17-41197727-G-C.
Other names: c.2251C>G, p.Leu751Val (NM_001407978.1, NM_001407973.1, NM_001407974.1 and 3 more transcripts); c.2248C>G, p.Leu750Val (NM_001407979.1, NM_001407980.1, NM_007298.4 and 11 more transcripts); c.2245C>G, p.Leu749Val (NM_001408392.1, NM_001408396.1, NM_001408397.1 and 7 more transcripts); c.2170C>G, p.Leu724Val (NM_001408415.1, NM_001408416.1, NM_001408412.1 and 2 more transcripts); c.2134C>G, p.Leu712Val (NM_001408418.1, NM_001408419.1, NM_001408420.1); c.2131C>G, p.Leu711Val (NM_001408421.1, NM_001408422.1, NM_001408423.1 and 1 more transcripts); c.2125C>G, p.Leu709Val (NM_001408435.1, NM_001408436.1, NM_001408437.1 and 10 more transcripts); c.2110C>G, p.Leu704Val (NM_001408455.1, NM_001408456.1, NM_001408457.1 and 3 more transcripts); and 74 more; short protein forms L1854V, L1875V, L1807V, L750V, L1685V, L1742V, L1766V, L1786V.
Identifiers: ClinVar variation 867667 (VCV000867667.3), dbSNP rs2050859600, ClinGen allele CA10590203.